The following is an entry in ClinVar:

ClinVar aggregate classification (germline): Uncertain significance. Review status: criteria provided, multiple submitters, no conflicts (2 of 4 stars). 3 submissions from 3 submitters: Uncertain significance (3). Last evaluated 2024-12-16.

Conditions:
Inborn genetic diseases. Identifiers: MedGen C0950123, MeSH D030342.
LRRK1-related disorder. Also called: LRRK1-related condition.

Allele frequency attached by ClinVar (database versions not stated): ExAC 0.00004; TOPMed 0.00004; gnomAD 0.00005; gnomAD exomes 0.00012; ESP Exome Variant Server 0.00016.
gnomAD v4.1: 174 of 1,613,804 alleles (0.011%); highest among the groups gnomAD compares: Non-Finnish European, 0.014%; no homozygotes.

Submissions (3):

Labcorp Genetics (formerly Invitae), Labcorp
Classification: Uncertain significance. Last evaluated: 2024-12-16. Review status: criteria provided, single submitter. Criteria: Invitae Variant Classification Sherloc (09022015). Collection method: clinical testing. Allele origin: germline.
Comment: This sequence change replaces valine, which is neutral and non-polar, with methionine, which is neutral and non-polar, at codon 733 of the LRRK1 protein (p.Val733Met). This variant is present in population databases (rs370663048, gnomAD 0.009%). This variant has not been reported in the literature in individuals affected with LRRK1-related conditions. ClinVar contains an entry for this variant (Variation ID: 2069485). An algorithm developed to predict the effect of missense changes on protein structure and function (PolyPhen-2) suggests that this variant is likely to be disruptive. In summary, the available evidence is currently insufficient to determine the role of this variant in disease. Therefore, it has been classified as a Variant of Uncertain Significance.

Ambry Genetics
Classification: Uncertain significance for Inborn genetic diseases. Last evaluated: 2024-03-28. Review status: criteria provided, single submitter. Criteria: Ambry Variant Classification Scheme 2023. Collection method: clinical testing. Allele origin: germline.

PreventionGenetics, part of Exact Sciences
Classification: Uncertain significance for LRRK1-related condition. Last evaluated: 2023-01-10. Review status: criteria provided, single submitter. Criteria: ACMG Guidelines, 2015. Collection method: clinical testing. Allele origin: germline.
Comment: The LRRK1 c.2197G>A variant is predicted to result in the amino acid substitution p.Val733Met. To our knowledge, this variant has not been reported in the literature. This variant is reported in 0.0085% of alleles in individuals of Latino descent in gnomAD. At this time, the clinical significance of this variant is uncertain due to the absence of conclusive functional and genetic evidence.

NM_024652.6(LRRK1):c.2197G>A (p.Val733Met)

Gene: LRRK1 (leucine rich repeat kinase 1; plus strand). Cytogenetic location: 15q26.3.
Variant type: single nucleotide variant.
Coding change: c.2197G>A on transcript NM_024652.6 (MANE Select); coding-DNA position 2197, G replaced by A.
Protein change: p.Val733Met; replaces valine 733 with methionine.
Molecular consequence: missense variant.
Genome position (GRCh38, 1-based): chr15:101,024,932, G>A. VCF-style: chr15-101024932-G-A. GRCh37 (hg19) VCF-style: chr15-101565137-G-A.
Other names: c.2197G>A (NM_024652.3); short protein forms V733M.
Identifiers: ClinVar variation 2069485 (VCV002069485.4), dbSNP rs370663048, ClinGen allele CA7761146.
Genomic context (GRCh38, chr15:101,024,932, plus strand): 5'-TTCTTCACGGACAAGGCCCTGTACGTGGTGGTCTGGAACCTGGCGCTGGGGGAGGAGGCC[G>A]TGGCCAACCTCCAGTTCTGGCTGCTCAACATCGAGGTGAGGACACCAGACGCCAGCCCTG-3'
Protein context (NP_078928.3, residues 723-743): VWNLALGEEA[Val733Met]ANLQFWLLNI